The following is an entry in ClinVar:

ClinVar aggregate classification (germline): Uncertain significance. Review status: criteria provided, multiple submitters, no conflicts (2 of 4 stars). 5 submissions from 5 submitters: Uncertain significance (5). Last evaluated 2026-01-11.

Conditions:
Aldosterone-producing adenoma with seizures and neurological abnormalities. Also called: Primary aldosteronism, seizures, and neurologic abnormalities. Identifiers: Orphanet 369929, MedGen C3809609, MONDO:0014200, OMIM 615474.
Sinoatrial node dysfunction and deafness (SANDD). Identifiers: Orphanet 324321, MedGen C3554018, MONDO:0013960, OMIM 614896.
CACNA1D-related disorder.
Inborn genetic diseases. Identifiers: MedGen C0950123, MeSH D030342.

Allele frequency attached by ClinVar (database versions not stated): gnomAD exomes below 0.00001 and 0.00002; gnomAD 0.00001; TOPMed 0.00001; ESP Exome Variant Server 0.00008.
gnomAD v4.1: 27 of 1,611,358 alleles (0.0017%); highest among the groups gnomAD compares: Middle Eastern, 0.016%; no homozygotes.

Submissions (5):

Labcorp Genetics (formerly Invitae), Labcorp
Classification: Uncertain significance. Last evaluated: 2026-01-11. Review status: criteria provided, single submitter. Criteria: Invitae Variant Classification Sherloc (09022015). Collection method: clinical testing. Allele origin: germline.
Comment: This sequence change replaces isoleucine, which is neutral and non-polar, with threonine, which is neutral and polar, at codon 1158 of the CACNA1D protein (p.Ile1158Thr). This variant is present in population databases (rs146540139, gnomAD 0.007%). This variant has not been reported in the literature in individuals affected with CACNA1D-related conditions. ClinVar contains an entry for this variant (Variation ID: 1426310). Invitae Evidence Modeling of protein sequence and biophysical properties (such as structural, functional, and spatial information, amino acid conservation, physicochemical variation, residue mobility, and thermodynamic stability) has been performed for this missense variant. However, the output from this modeling did not meet the statistical confidence thresholds required to predict the impact of this variant on CACNA1D protein function. In summary, the available evidence is currently insufficient to determine the role of this variant in disease. Therefore, it has been classified as a Variant of Uncertain Significance.

PreventionGenetics, part of Exact Sciences
Classification: Uncertain significance for CACNA1D-related condition. Last evaluated: 2025-08-06. Review status: criteria provided, single submitter. Criteria: ACMG Guidelines, 2015. Collection method: clinical testing. Allele origin: germline.
Comment: The CACNA1D c.3473T>C variant is predicted to result in the amino acid substitution p.Ile1158Thr. To our knowledge, this variant has not been reported in the literature. This variant is reported in 0.0015% of alleles in individuals of European (Non-Finnish) descent in gnomAD. At this time, the clinical significance of this variant is uncertain due to the absence of conclusive functional and genetic evidence.

Ambry Genetics
Classification: Uncertain significance for Inborn genetic diseases. Last evaluated: 2022-07-08. Review status: criteria provided, single submitter. Criteria: Ambry Variant Classification Scheme 2023. Collection method: clinical testing. Allele origin: germline.

Revvity Omics, Revvity
Classification: Uncertain significance. Last evaluated: 2022-03-08. Review status: criteria provided, single submitter. Criteria: ACMG Guidelines, 2015. Collection method: clinical testing. Allele origin: germline.

Fulgent Genetics
Classification: Uncertain significance for Sinoatrial node dysfunction and deafness; Aldosterone-producing adenoma with seizures and neurological abnormalities. Last evaluated: 2021-07-15. Review status: criteria provided, single submitter. Criteria: ACMG Guidelines, 2015. Collection method: clinical testing. Allele origin: unknown.

NM_001128840.3(CACNA1D):c.3413T>C (p.Ile1138Thr)

Genes: CACNA1D (calcium voltage-gated channel subunit alpha1 D; plus strand), LOC129936904 (ATAC-STARR-seq lymphoblastoid active region 19969; plus strand). Cytogenetic location: 3p21.1.
Variant type: single nucleotide variant.
Coding change: c.3413T>C on transcript NM_001128840.3 (MANE Select); coding-DNA position 3413, T replaced by C.
Protein change: p.Ile1138Thr; replaces isoleucine 1138 with threonine.
Molecular consequence: missense variant.
Genome position (GRCh38, 1-based): chr3:53,749,366, T>C. VCF-style: chr3-53749366-T-C. GRCh37 (hg19) VCF-style: chr3-53783393-T-C.
Other names: c.3473T>C (NM_000720.2, NM_000720.3); c.3473T>C, p.Ile1158Thr (NM_000720.4); c.3413T>C, p.Ile1138Thr (NM_001128839.3); short protein forms I1138T, I1158T.
Identifiers: ClinVar variation 1426310 (VCV001426310.13), dbSNP rs146540139, ClinGen allele CA74871887.